The following is an entry in ClinVar:

NM_000090.4(COL3A1):c.996+10T>A

Gene: COL3A1 (collagen type III alpha 1 chain; plus strand). Cytogenetic location: 2q32.2.
Variant type: single nucleotide variant.
Coding change: c.996+10T>A on transcript NM_000090.4 (MANE Select); 10 bases into the intron after coding-DNA position 996, T replaced by A.
Molecular consequence: intron variant.
Genome position (GRCh38, 1-based): chr2:188,992,238, T>A. VCF-style: chr2-188992238-T-A. GRCh37 (hg19) VCF-style: chr2-189856964-T-A.
Identifiers: ClinVar variation 392206 (VCV000392206.12), dbSNP rs369957068, ClinGen allele CA077149.

ClinVar aggregate classification (germline): Likely benign. Review status: criteria provided, multiple submitters, no conflicts (2 of 4 stars). 2 submissions from 2 submitters: Likely benign (2). Last evaluated 2025-09-21.

Conditions:
Ehlers-Danlos syndrome, type 4 (EDSVASC). Also called: Ehlers-Danlos Syndrome Type IV; Ehlers-Danlos syndrome vascular type; Ehlers Danlos syndrome, ecchymotic type; Ehlers Danlos syndrome, arterial type; Ehlers Danlos syndrome, Sack-Barabas type. Identifiers: Orphanet 286, MedGen C0268338, MONDO:0017314, OMIM 130050.

Allele frequency attached by ClinVar (database versions not stated): TOPMed 0.00002.
gnomAD v4.1: 27 of 1,613,272 alleles (0.0017%); highest among the groups gnomAD compares: Admixed American, 0.0033%; no homozygotes.

Submissions (2):

Labcorp Genetics (formerly Invitae), Labcorp
Classification: Likely benign for Ehlers-Danlos syndrome, type 4. Last evaluated: 2025-09-21. Review status: criteria provided, single submitter. Criteria: Invitae Variant Classification Sherloc (09022015). Collection method: clinical testing. Allele origin: germline.

GeneDx
Classification: Likely benign. Last evaluated: 2016-12-28. Review status: criteria provided, single submitter. Criteria: GeneDx Variant Classification (06012015). Collection method: clinical testing. Allele origin: germline. Affected: yes.
Comment: This variant is considered likely benign or benign based on one or more of the following criteria: it is a conservative change, it occurs at a poorly conserved position in the protein, it is predicted to be benign by multiple in silico algorithms, and/or has population frequency not consistent with disease.